The following is an entry in ClinVar:

NM_001048174.2(MUTYH):c.913+1G>A

Gene: MUTYH (mutY DNA glycosylase; minus strand). Cytogenetic location: 1p34.1.
Variant type: single nucleotide variant.
Coding change: c.913+1G>A on transcript NM_001048174.2 (MANE Select); the canonical splice donor site of the intron after coding-DNA position 913, G replaced by A.
Molecular consequence: splice donor variant.
Genome position (GRCh38, 1-based): chr1:45,332,022, C>T on the plus strand (G>A on the coding strand, the complement: MUTYH is on the minus strand). VCF-style: chr1-45332022-C-T. GRCh37 (hg19) VCF-style: chr1-45797694-C-T.
Other names: c.913+1G>A (NM_001407072.1, NM_001407073.1, NM_001048171.2 and 6 more transcripts); c.568+1G>A (NM_001350651.2, NM_001350650.2, NM_001407082.1); c.637+1G>A (NM_001293192.2, NM_001293196.2, NM_001407091.1); c.958+1G>A (NM_001293190.2); c.946+1G>A (NM_001407069.1, NM_001407077.1, NM_001293191.2); c.988+1G>A (NM_012222.3); c.997+1G>A (NM_001128425.2); c.916+1G>A (NM_001407071.1, NM_001048172.2, NM_001407078.1 and 1 more transcripts); and 5 more.
Identifiers: ClinVar variation 1348024 (VCV001348024.8), dbSNP rs2149133294, ClinGen allele CA340133992.

ClinVar aggregate classification (germline): Likely pathogenic (1 of 4 stars; one submission).

Conditions:
Familial adenomatous polyposis 2. Also called: MYH-associated polyposis; FAP type 2; MUTYH-associated polyposis; MUTYH-related attenuated familial adenomatous polyposis; Adenomas, multiple colorectal; COLORECTAL ADENOMATOUS POLYPOSIS, AUTOSOMAL RECESSIVE. Identifiers: Orphanet 220460, Orphanet 247798, MedGen C3272841, MONDO:0012041, OMIM 608456.

Submission:

Labcorp Genetics (formerly Invitae), Labcorp
Classification: Likely pathogenic for Familial adenomatous polyposis 2. Last evaluated: 2020-12-04. Review status: criteria provided, single submitter. Criteria: Invitae Variant Classification Sherloc (09022015). Collection method: clinical testing. Allele origin: germline.
Comment: In summary, the currently available evidence indicates that the variant is pathogenic, but additional data are needed to prove that conclusively. Therefore, this variant has been classified as Likely Pathogenic. Algorithms developed to predict the effect of sequence changes on RNA splicing suggest that this variant may disrupt the consensus splice site, but this prediction has not been confirmed by published transcriptional studies. This variant has not been reported in the literature in individuals with MUTYH-related conditions. This variant is not present in population databases (ExAC no frequency). This sequence change affects a donor splice site in intron 11 of the MUTYH gene. It is expected to disrupt RNA splicing. Variants that disrupt the donor or acceptor splice site typically lead to a loss of protein function (PMID: 16199547), and loss-of-function variants in MUTYH are known to be pathogenic (PMID: 18534194, 20663686).

Literature cited by the submitters: PubMed 16199547; PubMed 18534194; PubMed 20663686.